The following is an entry in ClinVar:

NM_144997.7(FLCN):c.1516T>C (p.Cys506Arg)

Gene: FLCN (folliculin; minus strand). Cytogenetic location: 17p11.2.
Variant type: single nucleotide variant.
Coding change: c.1516T>C on transcript NM_144997.7 (MANE Select); coding-DNA position 1516, T replaced by C.
Protein change: p.Cys506Arg; replaces cysteine 506 with arginine.
Molecular consequence: missense variant.
Genome position (GRCh38, 1-based): chr17:17,215,007, A>G on the plus strand (T>C on the coding strand, the complement: FLCN is on the minus strand). VCF-style: chr17-17215007-A-G. GRCh37 (hg19) VCF-style: chr17-17118321-A-G.
Other names: c.1570T>C, p.Cys524Arg (NM_001353229.2); c.1516T>C, p.Cys506Arg (NM_001353230.2, NM_001353231.2); short protein forms C506R, C524R.
Identifiers: ClinVar variation 3850567 (VCV003850567.1).

ClinVar aggregate classification (germline): Uncertain significance (1 of 4 stars; one submission).

Conditions:
Hereditary cancer-predisposing syndrome. Also called: Hereditary neoplastic syndrome; Neoplastic Syndromes, Hereditary; Tumor predisposition; Hereditary Cancer Syndrome. Identifiers: Orphanet 140162, MedGen C0027672, MeSH D009386, MONDO:0015356.

Submission:

Ambry Genetics
Classification: Uncertain significance for Hereditary cancer-predisposing syndrome. Last evaluated: 2025-01-03. Review status: criteria provided, single submitter. Criteria: Ambry Variant Classification Scheme 2023. Collection method: clinical testing. Allele origin: germline.
Comment: The p.C506R variant (also known as c.1516T>C), located in coding exon 10 of the FLCN gene, results from a T to C substitution at nucleotide position 1516. The cysteine at codon 506 is replaced by arginine, an amino acid with highly dissimilar properties. This amino acid position is conserved. In addition, this alteration is predicted to be deleterious by in silico analysis. Based on the available evidence, the clinical significance of this variant remains unclear.